The following is an entry in ClinVar:

NM_000052.7(ATP7A):c.4389T>C (p.Ser1463=)

Genes: ATP7A (ATPase copper transporting alpha; plus strand), PGK1 (phosphoglycerate kinase 1; plus strand). Cytogenetic location: Xq21.1.
Variant type: single nucleotide variant.
Coding change: c.4389T>C on transcript NM_000052.7 (MANE Select); coding-DNA position 4389, T replaced by C.
Protein change: p.Ser1463=; no amino-acid change (serine 1463 retained).
Molecular consequence: synonymous variant. On other transcripts: non-coding transcript variant (1).
Genome position (GRCh38, 1-based): chrX:78,046,456, T>C. VCF-style: chrX-78046456-T-C. GRCh37 (hg19) VCF-style: chrX-77301953-T-C.
Other names: p.Ser1463=; c.4155T>C, p.Ser1385= (NM_001282224.2).
Identifiers: ClinVar variation 465124 (VCV000465124.59), dbSNP rs371939448, ClinGen allele CA10459550.
Genomic context (GRCh38, chrX:78,046,456, plus strand): 5'-CTCAAGGAATTCTCCTAAACTGGGTTTGCTGGACCGGATTGTTAATTATAGCAGAGCCTC[T>C]ATAAACTCACTACTGTCTGATAAACGCTCCCTAAACAGTGTTGTTACCAGTGAACCTGAC-3'
Protein context (NP_000043.4, residues 1453-1473): LDRIVNYSRA[Ser1463=]INSLLSDKRS

ClinVar aggregate classification (germline): Benign/Likely benign. Review status: criteria provided, multiple submitters, no conflicts (2 of 4 stars). 8 submissions from 8 submitters: Benign (2); Likely benign (5). 1 of the submissions does not count toward it. Last evaluated 2026-05-18.

Conditions:
Menkes kinky-hair syndrome (MNK). Also called: Copper transport disease; Menkes Disease; Classic Menkes Disease. Identifiers: Orphanet 565, MedGen C0022716, MONDO:0010651, OMIM 309400.
Inborn genetic diseases. Identifiers: MedGen C0950123, MeSH D030342.
X-linked distal spinal muscular atrophy type 3. Also called: NEURONOPATHY, DISTAL HEREDITARY MOTOR, X-LINKED; NEUROPATHY, DISTAL HEREDITARY MOTOR, X-LINKED; ATP7A-Related Distal Motor Neuropathy; SPINAL MUSCULAR ATROPHY, DISTAL, X-LINKED RECESSIVE. Identifiers: Orphanet 139557, MedGen C1845359, MONDO:0010338, OMIM 300489.
Cutis laxa, X-linked (OHS). Also called: Occipital horn syndrome; EDS IX. Identifiers: Orphanet 198, MedGen C0268353, MONDO:0010572, OMIM 304150.

Allele frequency attached by ClinVar (database versions not stated): ESP Exome Variant Server 0.00009; gnomAD exomes 0.00025 and 0.00041; 1000 Genomes Project 0.00026; ExAC 0.00027; TOPMed 0.00036; gnomAD 0.00037 and 0.00038; 1000 Genomes Project 30x 0.00042.
gnomAD v4.1: 504 of 1,209,461 alleles (0.042%); highest among the groups gnomAD compares: Non-Finnish European, 0.052%; no homozygotes.

Submissions (8):

Women's Health and Genetics/Laboratory Corporation of America, LabCorp
Classification: Likely benign. Last evaluated: 2026-05-18. Review status: criteria provided, single submitter. Criteria: LabCorp Variant Classification Summary - May 2015. Collection method: clinical testing. Allele origin: germline.

Labcorp Genetics (formerly Invitae), Labcorp
Classification: Benign for X-linked distal spinal muscular atrophy type 3; Cutis laxa, X-linked; Menkes kinky-hair syndrome. Last evaluated: 2026-01-22. Review status: criteria provided, single submitter. Criteria: Invitae Variant Classification Sherloc (09022015). Collection method: clinical testing. Allele origin: germline.

Mayo Clinic Laboratories, Mayo Clinic
Classification: Likely benign. Last evaluated: 2025-01-28. Review status: criteria provided, single submitter. Criteria: ACMG Guidelines, 2015. Collection method: clinical testing. Allele origin: germline. Observed: 6 variant alleles.
Comment: BS1, BP4, BP7

Blueprint Genetics
Classification: Likely benign. Last evaluated: 2024-09-09. Review status: criteria provided, single submitter. Criteria: ACMG Guidelines, 2015. Collection method: clinical testing. Allele origin: germline.

CeGaT Center for Human Genetics Tuebingen
Classification: Likely benign. Last evaluated: 2023-11-01. Review status: criteria provided, single submitter. Criteria: CeGaT Center For Human Genetics Tuebingen Variant Classification Criteria Version 2. Collection method: clinical testing. Allele origin: germline. Affected: yes. Observed: 5 variant alleles.
Comment: ATP7A: BP4, BP7, BS2; PGK1: BS2

GeneDx
Classification: Benign. Last evaluated: 2017-05-19. Review status: criteria provided, single submitter. Criteria: GeneDx Variant Classification (06012015). Collection method: clinical testing. Allele origin: germline. Affected: yes.
Comment: This variant is considered likely benign or benign based on one or more of the following criteria: it is a conservative change, it occurs at a poorly conserved position in the protein, it is predicted to be benign by multiple in silico algorithms, and/or has population frequency not consistent with disease.

Ambry Genetics
Classification: Likely benign for Inborn genetic diseases. Last evaluated: 2016-09-01. Review status: criteria provided, single submitter. Criteria: Ambry Variant Classification Scheme 2023. Collection method: clinical testing. Allele origin: germline.

Natera, Inc.
Classification: Benign for Menkes kinky hair syndrome. Last evaluated: 2019-12-06. Review status: no assertion criteria provided. Collection method: clinical testing. Allele origin: germline. Not counted in ClinVar's aggregate classification.

Literature cited by the submitters: PubMed 25644381 (cited by Mayo Clinic Laboratories, Mayo Clinic).